The following is an entry in ClinVar:

NM_001111.5(ADAR):c.1487_1490del (p.Leu496fs)

Gene: ADAR (adenosine deaminase RNA specific; minus strand). Cytogenetic location: 1q21.3.
Variant type: Deletion.
Coding change: c.1487_1490del on transcript NM_001111.5 (MANE Select); coding-DNA positions 1487 to 1490, 4 bases deleted (TGAC; older notation c.1487_1490delTGAC).
Protein change: p.Leu496fs; shifts the reading frame from leucine 496.
Molecular consequence: frameshift variant.
Genome position (GRCh38, 1-based): chr1:154,601,152-154,601,155, GTCA deleted on the plus strand (TGAC on the coding strand, the reverse complement: ADAR is on the minus strand); deleting any 4 consecutive bases within chr1:154,601,152-154,601,157 gives the same sequence; the c. name uses the placement nearest the transcript's 3' end. VCF-style (leftmost placement, unchanged base first): chr1-154601151-TGTCA-T. GRCh37 (hg19) VCF-style: chr1-154573627-TGTCA-T.
Other names: c.602_605del, p.Leu201fs (NM_001025107.3, NM_001193495.2, NM_001365046.1 and 3 more transcripts); c.1514_1517del, p.Leu505fs (NM_001365045.1); c.1487_1490del, p.Leu496fs (NM_015840.4, NM_015841.4); short protein forms L496fs, L505fs, L201fs.
Identifiers: ClinVar variation 4786905 (VCV004786905.1).

ClinVar aggregate classification (germline): Pathogenic (1 of 4 stars; one submission).

Conditions:
Symmetrical dyschromatosis of extremities (DSH). Also called: DYSCHROMATOSIS SYMMETRICA HEREDITARIA 1; RETICULATE ACROPIGMENTATION OF DOHI; SYMMETRIC DYSCHROMATOSIS OF THE EXTREMITIES; Dyschromatosis symmetrica hereditaria. Identifiers: Orphanet 41, MedGen C0406775, MONDO:0007483, OMIM 127400.
Aicardi-Goutieres syndrome 6 (AGS6). Identifiers: Orphanet 51, MedGen C3539013, MONDO:0014007, OMIM 615010.

Submission:

Labcorp Genetics (formerly Invitae), Labcorp
Classification: Pathogenic for Aicardi-Goutieres syndrome 6; Symmetrical dyschromatosis of extremities. Last evaluated: 2025-12-03. Review status: criteria provided, single submitter. Criteria: Invitae Variant Classification Sherloc (09022015). Collection method: clinical testing. Allele origin: germline.
Comment: This sequence change creates a premature translational stop signal (p.Leu496Glnfs*5) in the ADAR gene. It is expected to result in an absent or disrupted protein product. Loss-of-function variants in ADAR are known to be pathogenic (PMID: 22974014). This variant is not present in population databases (gnomAD no frequency). This variant has not been reported in the literature in individuals affected with ADAR-related conditions. For these reasons, this variant has been classified as Pathogenic.

Literature cited by the submitters: PubMed 22974014.